The following is an entry in ClinVar:

NM_000393.5(COL5A2):c.3737A>G (p.Asp1246Gly)

Gene: COL5A2 (collagen type V alpha 2 chain; minus strand). Cytogenetic location: 2q32.2.
Variant type: single nucleotide variant.
Coding change: c.3737A>G on transcript NM_000393.5 (MANE Select); coding-DNA position 3737, A replaced by G.
Protein change: p.Asp1246Gly; replaces aspartic acid 1246 with glycine.
Molecular consequence: missense variant.
Genome position (GRCh38, 1-based): chr2:189,039,460, T>C on the plus strand (A>G on the coding strand, the complement: COL5A2 is on the minus strand). VCF-style: chr2-189039460-T-C. GRCh37 (hg19) VCF-style: chr2-189904186-T-C.
Other names: short protein forms D1246G.
Identifiers: ClinVar variation 2449427 (VCV002449427.4), dbSNP rs750939173, ClinGen allele CA2021925.

ClinVar aggregate classification (germline): Uncertain significance. Review status: criteria provided, multiple submitters, no conflicts (2 of 4 stars). 2 submissions from 2 submitters: Uncertain significance (2). Last evaluated 2025-01-11.

Conditions:
Familial thoracic aortic aneurysm and aortic dissection (TAAD). Also called: Thoracic aortic aneurysms and dissections. Identifiers: Orphanet 91387, MedGen C4707243, MONDO:0019625.
Ehlers-Danlos syndrome, classic type, 1 (EDSCL1). Also called: EDS I; EHLERS-DANLOS SYNDROME, GRAVIS TYPE; EHLERS-DANLOS SYNDROME, SEVERE CLASSIC TYPE; Ehlers-Danlos syndrome, type 1; Ehlers-Danlos Syndrome, Classic Type, COL5A1-Related. Identifiers: MedGen C0268335, MONDO:0019567, OMIM 130000.

Allele frequency attached by ClinVar (database versions not stated): ExAC 0.00001; gnomAD exomes 0.00001.
gnomAD v4.1: 9 of 1,614,110 alleles (0.00056%); highest among the groups gnomAD compares: South Asian, 0.0033%; no homozygotes.

Submissions (2):

Labcorp Genetics (formerly Invitae), Labcorp
Classification: Uncertain significance for Ehlers-Danlos syndrome, classic type, 1. Last evaluated: 2025-01-11. Review status: criteria provided, single submitter. Criteria: Invitae Variant Classification Sherloc (09022015). Collection method: clinical testing. Allele origin: germline.
Comment: This sequence change replaces aspartic acid, which is acidic and polar, with glycine, which is neutral and non-polar, at codon 1246 of the COL5A2 protein (p.Asp1246Gly). This variant is present in population databases (rs750939173, gnomAD 0.003%). This variant has not been reported in the literature in individuals affected with COL5A2-related conditions. ClinVar contains an entry for this variant (Variation ID: 2449427). Invitae Evidence Modeling of protein sequence and biophysical properties (such as structural, functional, and spatial information, amino acid conservation, physicochemical variation, residue mobility, and thermodynamic stability) indicates that this missense variant is not expected to disrupt COL5A2 protein function with a negative predictive value of 80%. In summary, the available evidence is currently insufficient to determine the role of this variant in disease. Therefore, it has been classified as a Variant of Uncertain Significance.

Ambry Genetics
Classification: Uncertain significance for Familial thoracic aortic aneurysm and aortic dissection. Last evaluated: 2023-03-13. Review status: criteria provided, single submitter. Criteria: Ambry Variant Classification Scheme 2023. Collection method: clinical testing. Allele origin: germline.
Comment: The p.D1246G variant (also known as c.3737A>G), located in coding exon 51 of the COL5A2 gene, results from an A to G substitution at nucleotide position 3737. The aspartic acid at codon 1246 is replaced by glycine, an amino acid with similar properties. This amino acid position is well conserved in available vertebrate species. In addition, the in silico prediction for this alteration is inconclusive. Since supporting evidence is limited at this time, the clinical significance of this alteration remains unclear.